The following is an entry in ClinVar:

ClinVar aggregate classification (germline): Likely benign. Review status: criteria provided, multiple submitters, no conflicts (2 of 4 stars). 3 submissions from 3 submitters: Likely benign (3). Last evaluated 2025-08-28.

Conditions:
Cardiomyopathy (CMYO). Also called: Cardiomyopathies. Identifiers: Orphanet 167848, MedGen C0878544, MONDO:0004994, HP:0001638. Inheritance: Various modes of inheritance.
Cardiovascular phenotype. Identifiers: MedGen CN230736.
Hypertrophic cardiomyopathy. Also called: HYPERTROPHIC MYOCARDIOPATHY. Identifiers: Orphanet 217569, MedGen C0007194, MeSH D002312, MONDO:0005045, HP:0001639.

Submissions (3):

Ambry Genetics
Classification: Likely benign for Cardiovascular phenotype. Last evaluated: 2025-08-28. Review status: criteria provided, single submitter. Criteria: Ambry Variant Classification Scheme 2023. Collection method: clinical testing. Allele origin: germline.

All of Us Research Program, National Institutes of Health
Classification: Likely benign for Hypertrophic cardiomyopathy. Last evaluated: 2023-02-24. Review status: criteria provided, single submitter. Criteria: ACMG Guidelines, 2015. Collection method: clinical testing. Allele origin: germline. Inheritance: Autosomal dominant inheritance. Observed: 1 variant allele, 1 heterozygote.
Comment: This study involves interpretation of variants in research participants for the purpose of population health screening. Participant phenotype was not available at the time of variant classification. Additional details can be found in publication PMID: 35346344, PMCID: PMC8962531

Color Diagnostics, LLC DBA Color Health
Classification: Likely benign for Cardiomyopathy. Last evaluated: 2018-11-09. Review status: criteria provided, single submitter. Criteria: ACMG Guidelines, 2015. Collection method: clinical testing. Allele origin: germline.

NM_000256.3(MYBPC3):c.2931G>A (p.Arg977=)

Gene: MYBPC3 (myosin binding protein C3; minus strand). Cytogenetic location: 11p11.2.
Variant type: single nucleotide variant.
Coding change: c.2931G>A on transcript NM_000256.3 (MANE Select); coding-DNA position 2931, G replaced by A.
Protein change: p.Arg977=; no amino-acid change (arginine 977 retained).
Molecular consequence: synonymous variant.
Genome position (GRCh38, 1-based): chr11:47,333,985, C>T on the plus strand (G>A on the coding strand, the complement: MYBPC3 is on the minus strand). VCF-style: chr11-47333985-C-T. GRCh37 (hg19) VCF-style: chr11-47355536-C-T.
Identifiers: ClinVar variation 923826 (VCV000923826.4), dbSNP rs1595842051, ClinGen allele CA474429213.